The following is an entry in ClinVar:

NM_012330.4(KAT6B):c.5099C>A (p.Ser1700Ter)

Gene: KAT6B (lysine acetyltransferase 6B; plus strand). Cytogenetic location: 10q22.2.
Variant type: single nucleotide variant.
Coding change: c.5099C>A on transcript NM_012330.4 (MANE Select); coding-DNA position 5099, C replaced by A.
Protein change: p.Ser1700Ter; replaces serine 1700 with a stop codon.
Molecular consequence: nonsense.
Genome position (GRCh38, 1-based): chr10:75,029,923, C>A. VCF-style: chr10-75029923-C-A. GRCh37 (hg19) VCF-style: chr10-76789681-C-A.
Other names: c.2756C>A, p.Ser919Ter (NM_001370135.1); c.5099C>A, p.Ser1700Ter (NM_001370136.1, NM_001370137.1); c.4550C>A, p.Ser1517Ter (NM_001370138.1, NM_001256468.2); c.4223C>A, p.Ser1408Ter (NM_001370139.1, NM_001370140.1, NM_001370141.1 and 2 more transcripts); c.4034C>A, p.Ser1345Ter (NM_001370143.1, NM_001370144.1); c.4061C>A, p.Ser1354Ter (NM_001370132.1); c.3410C>A, p.Ser1137Ter (NM_001370133.1); c.3014C>A, p.Ser1005Ter (NM_001370134.1); short protein forms S1005*, S1137*, S1345*, S1354*, S1408*, S1517*, S1700*, S919*.
Identifiers: ClinVar variation 4681919 (VCV004681919.5).
Genomic context (GRCh38, chr10:75,029,923, plus strand): 5'-ACGAAAACCCAAGCAGCTACGATTCTACTATGGGAGGCAGCATCTGTGGAAACGGCTCTT[C>A]ACAGAACAGCTGCTCCTATAGCAACCTCACCTCCAGCAGTCTGACACAGAGCAGCTGTGC-3'

ClinVar aggregate classification (germline): Likely pathogenic (1 of 4 stars; one submission).

Submission:

CeGaT Center for Human Genetics Tuebingen
Classification: Likely pathogenic. Last evaluated: 2025-12-01. Review status: criteria provided, single submitter. Criteria: CeGaT Center For Human Genetics Tuebingen Variant Classification Criteria Version 2. Collection method: clinical testing. Allele origin: germline. Affected: yes. Observed: 1 variant allele.
Comment: KAT6B: PVS1:Strong, PM2, PS2:Moderate